The following is an entry in ClinVar:

NM_024577.4(SH3TC2):c.437T>C (p.Leu146Pro)

Gene: SH3TC2 (SH3 domain and tetratricopeptide repeats 2; minus strand). Cytogenetic location: 5q32.
Variant type: single nucleotide variant.
Coding change: c.437T>C on transcript NM_024577.4 (MANE Select); coding-DNA position 437, T replaced by C.
Protein change: p.Leu146Pro; replaces leucine 146 with proline.
Molecular consequence: missense variant.
Genome position (GRCh38, 1-based): chr5:149,042,786, A>G on the plus strand (T>C on the coding strand, the complement: SH3TC2 is on the minus strand). VCF-style: chr5-149042786-A-G. GRCh37 (hg19) VCF-style: chr5-148422349-A-G.
Other names: short protein forms L146P.
Identifiers: ClinVar variation 1432414 (VCV001432414.8), dbSNP rs2127400975, ClinGen allele CA361675951.

ClinVar aggregate classification (germline): Uncertain significance (1 of 4 stars; one submission).

Conditions:
Charcot-Marie-Tooth disease type 4. Also called: Charcot-Marie-Tooth disease, type IV; Charcot-Marie-Tooth, Type 4. Identifiers: Orphanet 64749, MedGen C4082197, MONDO:0018995.

Submission:

Labcorp Genetics (formerly Invitae), Labcorp
Classification: Uncertain significance for Charcot-Marie-Tooth disease type 4. Last evaluated: 2022-07-05. Review status: criteria provided, single submitter. Criteria: Invitae Variant Classification Sherloc (09022015). Collection method: clinical testing. Allele origin: germline.
Comment: This sequence change replaces leucine, which is neutral and non-polar, with proline, which is neutral and non-polar, at codon 146 of the SH3TC2 protein (p.Leu146Pro). This variant is not present in population databases (gnomAD no frequency). This variant has not been reported in the literature in individuals affected with SH3TC2-related conditions. ClinVar contains an entry for this variant (Variation ID: 1432414). Advanced modeling of protein sequence and biophysical properties (such as structural, functional, and spatial information, amino acid conservation, physicochemical variation, residue mobility, and thermodynamic stability) performed at Invitae indicates that this missense variant is not expected to disrupt SH3TC2 protein function. In summary, the available evidence is currently insufficient to determine the role of this variant in disease. Therefore, it has been classified as a Variant of Uncertain Significance.